The following is an entry in ClinVar:

NM_014000.3(VCL):c.3313A>G (p.Thr1105Ala)

Gene: VCL (vinculin; plus strand). Cytogenetic location: 10q22.2.
Variant type: single nucleotide variant.
Coding change: c.3313A>G on transcript NM_014000.3 (MANE Select); coding-DNA position 3313, A replaced by G.
Protein change: p.Thr1105Ala; replaces threonine 1105 with alanine.
Molecular consequence: missense variant.
Genome position (GRCh38, 1-based): chr10:74,118,077, A>G. VCF-style: chr10-74118077-A-G. GRCh37 (hg19) VCF-style: chr10-75877835-A-G.
Other names: c.3109A>G, p.Thr1037Ala (NM_003373.4); short protein forms T1105A, T1037A.
Identifiers: ClinVar variation 2329976 (VCV002329976.4), dbSNP rs2549239504, ClinGen allele CA377268699.

ClinVar aggregate classification (germline): Uncertain significance. Review status: criteria provided, multiple submitters, no conflicts (2 of 4 stars). 2 submissions from 2 submitters: Uncertain significance (2). Last evaluated 2024-10-10.

Conditions:
Cardiovascular phenotype. Identifiers: MedGen CN230736.
Dilated cardiomyopathy 1W (CMD1W). Identifiers: Orphanet 154, MedGen C1969639, MONDO:0012667, OMIM 611407.

Submissions (2):

Labcorp Genetics (formerly Invitae), Labcorp
Classification: Uncertain significance for Dilated cardiomyopathy 1W. Last evaluated: 2024-10-10. Review status: criteria provided, single submitter. Criteria: Invitae Variant Classification Sherloc (09022015). Collection method: clinical testing. Allele origin: germline.
Comment: This sequence change replaces threonine, which is neutral and polar, with alanine, which is neutral and non-polar, at codon 1105 of the VCL protein (p.Thr1105Ala). This variant is not present in population databases (gnomAD no frequency). This variant has not been reported in the literature in individuals affected with VCL-related conditions. ClinVar contains an entry for this variant (Variation ID: 2329976). An algorithm developed to predict the effect of missense changes on protein structure and function (PolyPhen-2) suggests that this variant is likely to be disruptive. In summary, the available evidence is currently insufficient to determine the role of this variant in disease. Therefore, it has been classified as a Variant of Uncertain Significance.

Ambry Genetics
Classification: Uncertain significance for Cardiovascular phenotype. Last evaluated: 2022-11-30. Review status: criteria provided, single submitter. Criteria: Ambry Variant Classification Scheme 2023. Collection method: clinical testing. Allele origin: germline.